The following is an entry in ClinVar:

NM_001297.5(CNGB1):c.952C>T (p.Gln318Ter)

Gene: CNGB1 (cyclic nucleotide gated channel subunit beta 1; minus strand). Cytogenetic location: 16q21.
Variant type: single nucleotide variant.
Coding change: c.952C>T on transcript NM_001297.5 (MANE Select); coding-DNA position 952, C replaced by T.
Protein change: p.Gln318Ter; replaces glutamine 318 with a stop codon.
Molecular consequence: nonsense.
Genome position (GRCh38, 1-based): chr16:57,950,463, G>A on the plus strand (C>T on the coding strand, the complement: CNGB1 is on the minus strand). VCF-style: chr16-57950463-G-A. GRCh37 (hg19) VCF-style: chr16-57984367-G-A.
Other names: c.934C>T, p.Gln312Ter (NM_001286130.2); short protein forms Q318*, Q312*.
Identifiers: ClinVar variation 93705 (VCV000093705.14), dbSNP rs372504780, ClinGen allele CA221645.

ClinVar aggregate classification (germline): Pathogenic. Review status: criteria provided, multiple submitters, no conflicts (2 of 4 stars). 5 submissions from 5 submitters: Pathogenic (4). 1 of the submissions does not count toward it. Last evaluated 2026-01-11.

Conditions:
Retinitis pigmentosa (RP). Identifiers: Orphanet 791, MedGen C0035334, MeSH D012174, MONDO:0019200, OMIM 268000. Inheritance: Autosomal dominant, autosomal recessive and X linked inheritance.
Retinitis pigmentosa 45 (RP45). Identifiers: Orphanet 791, MedGen C3151066, MONDO:0013413, OMIM 613767.
CNGB1-related disorder. Also called: CNGB1-related condition.

Allele frequency attached by ClinVar (database versions not stated): ExAC 0.00001; gnomAD 0.00001; gnomAD exomes 0.00001 and 0.00005; TOPMed 0.00001; ESP Exome Variant Server 0.00008.
gnomAD v4.1: 67 of 1,614,098 alleles (0.0042%); highest among the groups gnomAD compares: Non-Finnish European, 0.0056%; no homozygotes.

Submissions (5):

Labcorp Genetics (formerly Invitae), Labcorp
Classification: Pathogenic. Last evaluated: 2026-01-11. Review status: criteria provided, single submitter. Criteria: Invitae Variant Classification Sherloc (09022015). Collection method: clinical testing. Allele origin: germline.
Comment: This sequence change creates a premature translational stop signal (p.Gln318*) in the CNGB1 gene. It is expected to result in an absent or disrupted protein product. Loss-of-function variants in CNGB1 are known to be pathogenic (PMID: 15557452, 24043777). This variant is present in population databases (rs372504780, gnomAD 0.0009%). This premature translational stop signal has been observed in individual(s) with retinitis pigmentosa (PMID: 28056120). ClinVar contains an entry for this variant (Variation ID: 93705). Algorithms developed to predict the effect of sequence changes on RNA splicing suggest that this variant may disrupt the consensus splice site. For these reasons, this variant has been classified as Pathogenic.

Fulgent Genetics
Classification: Pathogenic for Retinitis pigmentosa 45. Last evaluated: 2021-08-27. Review status: criteria provided, single submitter. Criteria: ACMG Guidelines, 2015. Collection method: clinical testing. Allele origin: unknown.

Blueprint Genetics
Classification: Pathogenic for CNGB1-related disorders. Last evaluated: 2018-09-18. Review status: criteria provided, single submitter. Criteria: ACMG Guidelines, 2015. Collection method: clinical testing. Allele origin: germline. Affected: yes. Observed: 1 variant allele.

Eurofins Ntd Llc (ga)
Classification: Pathogenic. Last evaluated: 2013-09-23. Review status: criteria provided, single submitter. Criteria: EGL Classification Definitions. Collection method: clinical testing. Allele origin: germline. Observed: 1 variant allele, 1 heterozygote.

NIHR Bioresource Rare Diseases, University of Cambridge
Classification: Uncertain significance for Retinitis pigmentosa. Last evaluated: 2015-01-01. Review status: no assertion criteria provided. Collection method: research. Allele origin: unknown. Affected: yes. Observed: 1 variant allele. Not counted in ClinVar's aggregate classification.

Literature cited by the submitters: PubMed 15557452 (cited by Labcorp Genetics (formerly Invitae), Labcorp); PubMed 24043777 (cited by Labcorp Genetics (formerly Invitae), Labcorp); PubMed 28056120 (cited by Labcorp Genetics (formerly Invitae), Labcorp); PubMed 28041643 (cited by NIHR Bioresource Rare Diseases, University of Cambridge).